The following is an entry in ClinVar:

NM_000350.3(ABCA4):c.4864A>G (p.Lys1622Glu)

Genes: ABCA4 (ATP binding cassette subfamily A member 4; minus strand), LOC126805793 (CDK7 strongly-dependent group 2 enhancer GRCh37_chr1:94486302-94487501; plus strand). Cytogenetic location: 1p22.1.
Variant type: single nucleotide variant.
Coding change: c.4864A>G on transcript NM_000350.3 (MANE Select); coding-DNA position 4864, A replaced by G.
Protein change: p.Lys1622Glu; replaces lysine 1622 with glutamic acid.
Molecular consequence: missense variant.
Genome position (GRCh38, 1-based): chr1:94,021,394, T>C on the plus strand (A>G on the coding strand, the complement: ABCA4 is on the minus strand). VCF-style: chr1-94021394-T-C. GRCh37 (hg19) VCF-style: chr1-94486950-T-C.
Other names: c.4642A>G, p.Lys1548Glu (NM_001425324.1); short protein forms K1622E, K1548E.
Identifiers: ClinVar variation 1060150 (VCV001060150.9), dbSNP rs2101023150, ClinGen allele CA341283210.

ClinVar aggregate classification (germline): Uncertain significance (1 of 4 stars; one submission).

Submission:

Labcorp Genetics (formerly Invitae), Labcorp
Classification: Uncertain significance. Last evaluated: 2020-10-26. Review status: criteria provided, single submitter. Criteria: Invitae Variant Classification Sherloc (09022015). Collection method: clinical testing. Allele origin: germline.
Comment: This sequence change replaces lysine with glutamic acid at codon 1622 of the ABCA4 protein (p.Lys1622Glu). The lysine residue is highly conserved and there is a small physicochemical difference between lysine and glutamic acid. This variant is not present in population databases (ExAC no frequency). This variant has not been reported in the literature in individuals with ABCA4-related conditions. Advanced modeling of protein sequence and biophysical properties (such as structural, functional, and spatial information, amino acid conservation, physicochemical variation, residue mobility, and thermodynamic stability) performed at Invitae indicates that this missense variant is expected to disrupt ABCA4 protein function. In summary, the available evidence is currently insufficient to determine the role of this variant in disease. Therefore, it has been classified as a Variant of Uncertain Significance.